The following is an entry in ClinVar:

NM_000400.4(ERCC2):c.894C>T (p.Ala298=)

Gene: ERCC2 (ERCC excision repair 2, TFIIH core complex helicase subunit; minus strand). Cytogenetic location: 19q13.32.
Variant type: single nucleotide variant.
Coding change: c.894C>T on transcript NM_000400.4 (MANE Select); coding-DNA position 894, C replaced by T.
Protein change: p.Ala298=; no amino-acid change (alanine 298 retained).
Molecular consequence: synonymous variant.
Genome position (GRCh38, 1-based): chr19:45,364,041, G>A on the plus strand (C>T on the coding strand, the complement: ERCC2 is on the minus strand). VCF-style: chr19-45364041-G-A. GRCh37 (hg19) VCF-style: chr19-45867299-G-A.
Other names: c.822C>T, p.Ala274= (NM_001130867.2).
Identifiers: ClinVar variation 1765220 (VCV001765220.32), dbSNP rs1198917963, ClinGen allele CA507953539.

ClinVar aggregate classification (germline): Likely benign. Review status: criteria provided, multiple submitters, no conflicts (2 of 4 stars). 4 submissions from 4 submitters: Likely benign (4). Last evaluated 2025-03-19.

Conditions:
Inborn genetic diseases. Identifiers: MedGen C0950123, MeSH D030342.

Allele frequency attached by ClinVar (database versions not stated): gnomAD 0.00001; gnomAD exomes 0.00001; TOPMed 0.00001.
gnomAD v4.1: 19 of 1,563,866 alleles (0.0012%); highest among the groups gnomAD compares: Non-Finnish European, 0.0013%; no homozygotes.

Submissions (4):

Labcorp Genetics (formerly Invitae), Labcorp
Classification: Likely benign. Last evaluated: 2025-03-19. Review status: criteria provided, single submitter. Criteria: Invitae Variant Classification Sherloc (09022015). Collection method: clinical testing. Allele origin: germline.

Blueprint Genetics
Classification: Likely benign. Last evaluated: 2024-11-21. Review status: criteria provided, single submitter. Criteria: ACMG Guidelines, 2015. Collection method: clinical testing. Allele origin: germline.

CeGaT Center for Human Genetics Tuebingen
Classification: Likely benign. Last evaluated: 2022-12-01. Review status: criteria provided, single submitter. Criteria: CeGaT Center For Human Genetics Tuebingen Variant Classification Criteria Version 2. Collection method: clinical testing. Allele origin: germline. Affected: yes. Observed: 1 variant allele.
Comment: ERCC2: BP4, BP7

Ambry Genetics
Classification: Likely benign for Inborn genetic diseases. Last evaluated: 2022-04-19. Review status: criteria provided, single submitter. Criteria: Ambry Variant Classification Scheme 2023. Collection method: clinical testing. Allele origin: germline.